The following is an entry in ClinVar:

NM_013339.4(ALG6):c.581G>A (p.Cys194Tyr)

Gene: ALG6 (ALG6 alpha-1,3-glucosyltransferase; plus strand). Cytogenetic location: 1p31.3.
Variant type: single nucleotide variant.
Coding change: c.581G>A on transcript NM_013339.4 (MANE Select); coding-DNA position 581, G replaced by A.
Protein change: p.Cys194Tyr; replaces cysteine 194 with tyrosine.
Molecular consequence: missense variant.
Genome position (GRCh38, 1-based): chr1:63,411,232, G>A. VCF-style: chr1-63411232-G-A. GRCh37 (hg19) VCF-style: chr1-63876903-G-A.
Other names: short protein forms C194Y.
Identifiers: ClinVar variation 3773713 (VCV003773713.3).
Genomic context (GRCh38, chr1:63,411,232, plus strand): 5'-CTTTGTGGGGTGTTCTTGGAATATCTTGTGACTGCGACCTCCTAGGGTCACTGGCATTTT[G>A]CTTAGCTATAAATTATAAACAGATGGAACTTTACCACGCCTTGCCATTTTTTTGCTTTTT-3'
Protein context (NP_037471.2, residues 184-204): DCDLLGSLAF[Cys194Tyr]LAINYKQMEL

ClinVar aggregate classification (germline): Likely pathogenic (1 of 4 stars; one submission).

Conditions:
ALG6-congenital disorder of glycosylation 1C (CDG1C). Also called: CDG Ic; Congenital disorder of glycosylation type 1C; Congenital disorder of glycosylation, type Ic; CARBOHYDRATE-DEFICIENT GLYCOPROTEIN SYNDROME, TYPE I, WITH DEFICIENT GLYCOSYLATION OF DOLICHOL-LINKED OLIGOSACCHARIDE; CARBOHYDRATE-DEFICIENT GLYCOPROTEIN SYNDROME, TYPE V. Identifiers: Orphanet 79320, MedGen C2930997, MONDO:0011291, OMIM 603147.

Submission:

Institute of Human Genetics, University of Leipzig Medical Center
Classification: Likely pathogenic for ALG6-congenital disorder of glycosylation 1C. Last evaluated: 2024-12-11. Review status: criteria provided, single submitter. Criteria: ACMG Guidelines, 2015. Collection method: clinical testing. Allele origin: paternal. Inheritance: Autosomal recessive inheritance. Affected: yes.
Comment: Criteria applied: PM2, PM1_SUP, PM3, PP3, PP4